The following is an entry in ClinVar:

ClinVar aggregate classification (germline): Uncertain significance (1 of 4 stars; one submission).

Allele frequency attached by ClinVar (database versions not stated): gnomAD exomes below 0.00001.

Submission:

Labcorp Genetics (formerly Invitae), Labcorp
Classification: Uncertain significance. Last evaluated: 2023-09-28. Review status: criteria provided, single submitter. Criteria: Invitae Variant Classification Sherloc (09022015). Collection method: clinical testing. Allele origin: germline.
Comment: This variant is not present in population databases (gnomAD no frequency). This variant has not been reported in the literature in individuals affected with KRT1-related conditions. Variants that disrupt the consensus splice site are a relatively common cause of aberrant splicing (PMID: 17576681, 9536098). Algorithms developed to predict the effect of sequence changes on RNA splicing suggest that this variant is not likely to affect RNA splicing. This sequence change falls in intron 7 of the KRT1 gene. It does not directly change the encoded amino acid sequence of the KRT1 protein. It affects a nucleotide within the consensus splice site. In summary, the available evidence is currently insufficient to determine the role of this variant in disease. Therefore, it has been classified as a Variant of Uncertain Significance.

Literature cited by the submitters: PubMed 17576681; PubMed 9536098.

NM_006121.4(KRT1):c.1475+6G>A

Gene: KRT1 (keratin 1; minus strand). Cytogenetic location: 12q13.13.
Variant type: single nucleotide variant.
Coding change: c.1475+6G>A on transcript NM_006121.4 (MANE Select); 6 bases into the intron after coding-DNA position 1475, G replaced by A.
Molecular consequence: intron variant.
Genome position (GRCh38, 1-based): chr12:52,676,269, C>T on the plus strand (G>A on the coding strand, the complement: KRT1 is on the minus strand). VCF-style: chr12-52676269-C-T. GRCh37 (hg19) VCF-style: chr12-53070053-C-T.
Identifiers: ClinVar variation 2992665 (VCV002992665.3), dbSNP rs2498631749, ClinGen allele CA2575166949.